The following is an entry in ClinVar:

NM_001033046.4(CYBC1):c.498T>G (p.Leu166=)

Gene: CYBC1 (cytochrome b-245 chaperone 1; minus strand). Cytogenetic location: 17q25.3.
Variant type: single nucleotide variant.
Coding change: c.498T>G on transcript NM_001033046.4 (MANE Select); coding-DNA position 498, T replaced by G.
Protein change: p.Leu166=; no amino-acid change (leucine 166 retained).
Molecular consequence: synonymous variant. On other transcripts: non-coding transcript variant (4).
Genome position (GRCh38, 1-based): chr17:82,444,070, A>C on the plus strand (T>G on the coding strand, the complement: CYBC1 is on the minus strand). VCF-style: chr17-82444070-A-C. GRCh37 (hg19) VCF-style: chr17-80401946-A-C.
Other names: c.498T>G (NM_001193655.1); c.498T>G, p.Leu166= (NM_001100407.3, NM_001193653.2, NM_001193654.2 and 2 more transcripts); c.456T>G, p.Leu152= (NM_001100408.3).
Identifiers: ClinVar variation 3640931 (VCV003640931.3).

ClinVar aggregate classification (germline): Likely benign. Review status: criteria provided, multiple submitters, no conflicts (2 of 4 stars). 2 submissions from 2 submitters: Likely benign (2). Last evaluated 2025-11-21.

Conditions:
CYBC1-related condition.

Submissions (2):

PreventionGenetics, part of Exact Sciences
Classification: Likely benign for CYBC1-related condition. Last evaluated: 2025-11-21. Review status: criteria provided, single submitter. Criteria: ACMG Guidelines, 2015. Collection method: clinical testing. Allele origin: germline.
Comment: This variant is classified as likely benign based on ACMG/AMP sequence variant interpretation guidelines (Richards et al. 2015 PMID: 25741868, with internal and published modifications).

Labcorp Genetics (formerly Invitae), Labcorp
Classification: Likely benign. Last evaluated: 2025-06-29. Review status: criteria provided, single submitter. Criteria: Invitae Variant Classification Sherloc (09022015). Collection method: clinical testing. Allele origin: germline.